The following is an entry in ClinVar:

NM_002439.5(MSH3):c.2429delinsAG (p.Phe810Ter)

Gene: MSH3 (mutS homolog 3; plus strand). Cytogenetic location: 5q14.1.
Variant type: Indel.
Coding change: c.2429delinsAG on transcript NM_002439.5 (MANE Select); coding-DNA position 2429, T replaced by AG.
Protein change: p.Phe810Ter; replaces phenylalanine 810 with a stop codon.
Molecular consequence: nonsense.
Genome position (GRCh38, 1-based): chr5:80,778,830, T replaced by AG. VCF-style: chr5-80778830-T-AG. GRCh37 (hg19) VCF-style: chr5-80074649-T-AG.
Other names: short protein forms F810*.
Identifiers: ClinVar variation 2673538 (VCV002673538.1), dbSNP rs2546779627, ClinGen allele CA2695198679.

ClinVar aggregate classification (germline): Pathogenic (1 of 4 stars; one submission).

Conditions:
Familial adenomatous polyposis 4 (FAP4). Also called: MSH3-related attenuated familial adenomatous polyposis. Identifiers: Orphanet 480536, MedGen C4310719, MONDO:0044300, OMIM 617100.

Submission:

Myriad Genetics, Inc.
Classification: Pathogenic for Familial adenomatous polyposis 4. Last evaluated: 2023-08-30. Review status: criteria provided, single submitter. Criteria: Myriad Autosomal Dominant, Autosomal Recessive and X-Linked Classification Criteria (2023). Collection method: clinical testing. Allele origin: unknown.
Comment: This variant is considered pathogenic. This variant creates a termination codon and is predicted to result in premature protein truncation.